The following is an entry in ClinVar:

NM_000321.3(RB1):c.1389+2T>A

Gene: RB1 (RB transcriptional corepressor 1; plus strand). Cytogenetic location: 13q14.2.
Variant type: single nucleotide variant.
Coding change: c.1389+2T>A on transcript NM_000321.3 (MANE Select); the canonical splice donor site of the intron after coding-DNA position 1389, T replaced by A.
Molecular consequence: splice donor variant.
Genome position (GRCh38, 1-based): chr13:48,379,652, T>A. VCF-style: chr13-48379652-T-A. GRCh37 (hg19) VCF-style: chr13-48953788-T-A.
Other names: c.1389+2T>A (NM_001407166.1, NM_001407165.1).
Identifiers: ClinVar variation 2750928 (VCV002750928.3), dbSNP rs2542203051, ClinGen allele CA388162658.

ClinVar aggregate classification (germline): Pathogenic (1 of 4 stars; one submission).

Conditions:
Retinoblastoma (RB1). Also called: RETINOBLASTOMA, SOMATIC. Identifiers: Orphanet 790, MedGen C0035335, MeSH D012175, MONDO:0008380, OMIM 180200, HP:0009919. Disease mechanism: loss of function. Inheritance: Both sporadic and heritable forms are tested..

Submission:

Labcorp Genetics (formerly Invitae), Labcorp
Classification: Pathogenic for Retinoblastoma. Last evaluated: 2023-08-07. Review status: criteria provided, single submitter. Criteria: Invitae Variant Classification Sherloc (09022015). Collection method: clinical testing. Allele origin: germline.
Comment: This sequence change affects a donor splice site in intron 14 of the RB1 gene. It is expected to disrupt RNA splicing. Variants that disrupt the donor or acceptor splice site typically lead to a loss of protein function (PMID: 16199547), and loss-of-function variants in RB1 are known to be pathogenic (PMID: 17096365). This variant is not present in population databases (gnomAD no frequency). Disruption of this splice site has been observed in individuals with retinoblastoma (PMID: 12541220; Invitae). Algorithms developed to predict the effect of sequence changes on RNA splicing suggest that this variant may disrupt the consensus splice site. For these reasons, this variant has been classified as Pathogenic.

Literature cited by the submitters: PubMed 16199547; PubMed 17096365; PubMed 12541220.